The following is an entry in ClinVar:

NM_006182.4(DDR2):c.1114AAC[1] (p.Asn373del)

Gene: DDR2 (discoidin domain receptor tyrosine kinase 2; plus strand). Cytogenetic location: 1q23.3.
Variant type: Microsatellite.
Coding change: c.1114AAC[1] on transcript NM_006182.4 (MANE Select); one copy of the 3-base unit AAC starting at c.1114; the reference has two copies in a row; one copy, 3 bases deleted.
Protein change: p.Asn373del; deletes asparagine 373.
Genome position (GRCh38, 1-based): chr1:162,766,018-162,766,020, AAC deleted; deleting any 3 consecutive bases within chr1:162,766,013-162,766,020 gives the same sequence; the position shown is the placement nearest the transcript's 3' end. VCF-style (leftmost placement, unchanged base first): chr1-162766012-TACA-T. GRCh37 (hg19) VCF-style: chr1-162735802-TACA-T.
Other names: c.1117_1119delAAC (NM_006182.4); c.1114AAC[1], p.Asn373del (NM_001014796.3, NM_001354982.2, NM_001354983.2); short protein forms N373del.
Identifiers: ClinVar variation 4525851 (VCV004525851.1).
Genomic context (GRCh38, chr1:162,766,012, plus strand): 5'-TAGCTGTCTGTCTTCTCCCTGGCTCTGACTCACCCTTGTTTTATAACAGATGCTGCAATG[TACA>T]ACAACTCTGAAGCCCTGCCCACCTCTCCTATGGCACCCACAACCTATGGTATATGTGATT-3'

ClinVar aggregate classification (germline): Uncertain significance (1 of 4 stars; one submission).

Submission:

Women's Health and Genetics/Laboratory Corporation of America, LabCorp
Classification: Uncertain significance. Last evaluated: 2025-07-16. Review status: criteria provided, single submitter. Criteria: LabCorp Variant Classification Summary - May 2015. Collection method: clinical testing. Allele origin: germline.
Comment: Variant summary: DDR2 c.1117_1119delAAC (p.Asn373del) results in an in-frame deletion that is predicted to remove 1 amino acid from the encoded protein. The variant allele was found at a frequency of 5.2e-05 in 251262 control chromosomes. This frequency is not significantly higher than estimated for a pathogenic variant in DDR2 causing Warburg-Cinotti Syndrome, allowing no conclusion about variant significance. To our knowledge, no occurrence of c.1117_1119delAAC in individuals affected with Warburg-Cinotti Syndrome and no experimental evidence demonstrating its impact on protein function have been reported. No submitters have cited clinical-significance assessments for this variant to ClinVar. Based on the evidence outlined above, the variant was classified as uncertain significance.